The following is an entry in ClinVar:

NM_183235.3(RAB27A):c.2T>C (p.Met1Thr)

Gene: RAB27A (RAB27A, member RAS oncogene family; minus strand). Cytogenetic location: 15q21.3.
Variant type: single nucleotide variant.
Coding change: c.2T>C on transcript NM_183235.3 (MANE Select); coding-DNA position 2, T replaced by C.
Protein change: p.Met1Thr; changes the start codon (methionine 1).
Molecular consequence: missense variant, initiator codon variant.
Genome position (GRCh38, 1-based): chr15:55,234,933, A>G on the plus strand (T>C on the coding strand, the complement: RAB27A is on the minus strand). VCF-style: chr15-55234933-A-G. GRCh37 (hg19) VCF-style: chr15-55527131-A-G.
Other names: c.2T>C, p.Met1Thr (NM_004580.5, NM_183234.3, NM_183236.3); short protein forms M1T.
Identifiers: ClinVar variation 436459 (VCV000436459.15), dbSNP rs141281020, ClinGen allele CA270737390.

ClinVar aggregate classification (germline): Conflicting classifications of pathogenicity. Review status: criteria provided, conflicting classifications (1 of 4 stars). 3 submissions from 3 submitters: Pathogenic (2); Uncertain significance (1). Last evaluated 2022-02-09.

Conditions:
Autoinflammatory syndrome. Identifiers: Orphanet 93665, MedGen C3890737, MONDO:0019751.
Griscelli syndrome type 2 (GS2). Also called: PAID SYNDROME; PARTIAL ALBINISM AND IMMUNODEFICIENCY SYNDROME; GRISCELLI SYNDROME WITH HEMOPHAGOCYTIC SYNDROME. Identifiers: Orphanet 381, Orphanet 79477, MedGen C1868679, MONDO:0011872, OMIM 607624.

Allele frequency attached by ClinVar (database versions not stated): gnomAD exomes below 0.00001; TOPMed 0.00001; ESP Exome Variant Server 0.00008.

Submissions (3):

Labcorp Genetics (formerly Invitae), Labcorp
Classification: Pathogenic for Griscelli syndrome type 2. Last evaluated: 2022-02-09. Review status: criteria provided, single submitter. Criteria: Invitae Variant Classification Sherloc (09022015). Collection method: clinical testing. Allele origin: germline.
Comment: This sequence change affects the initiator methionine of the RAB27A mRNA. The next in-frame methionine is located at codon 93. For these reasons, this variant has been classified as Pathogenic. This variant disrupts a region of the RAB27A protein in which other variant(s) (p.Ala87Pro) have been determined to be pathogenic (PMID: 16278825, 25544030, 26880764). This suggests that this is a clinically significant region of the protein, and that variants that disrupt it are likely to be disease-causing. ClinVar contains an entry for this variant (Variation ID: 436459). Disruption of the initiator codon has been observed in individual(s) with Griscelli syndrome type 2 (PMID: 32965739). This variant is not present in population databases (gnomAD no frequency).

Genome Diagnostics Laboratory, The Hospital for Sick Children
Classification: Uncertain significance for Autoinflammatory syndrome. Last evaluated: 2016-12-12. Review status: criteria provided, single submitter. Criteria: ACMG Guidelines, 2015. Collection method: clinical testing. Allele origin: germline. Affected: yes.

Genetic Services Laboratory, University of Chicago
Classification: Pathogenic for Griscelli syndrome, type 2. Last evaluated: 2016-06-27. Review status: criteria provided, single submitter. Criteria: ACMG Guidelines, 2015. Collection method: clinical testing. Allele origin: germline. Affected: yes.

Literature cited by the submitters: PubMed 16278825 (cited by Labcorp Genetics (formerly Invitae), Labcorp); PubMed 25544030 (cited by Labcorp Genetics (formerly Invitae), Labcorp); PubMed 26880764 (cited by Labcorp Genetics (formerly Invitae), Labcorp); PubMed 32965739 (cited by Labcorp Genetics (formerly Invitae), Labcorp).